The following is an entry in ClinVar:

NM_001372.4(DNAH9):c.1408G>A (p.Val470Ile)

Gene: DNAH9 (dynein axonemal heavy chain 9; plus strand). Cytogenetic location: 17p12.
Variant type: single nucleotide variant.
Coding change: c.1408G>A on transcript NM_001372.4 (MANE Select); coding-DNA position 1408, G replaced by A.
Protein change: p.Val470Ile; replaces valine 470 with isoleucine.
Molecular consequence: missense variant.
Genome position (GRCh38, 1-based): chr17:11,629,474, G>A. VCF-style: chr17-11629474-G-A. GRCh37 (hg19) VCF-style: chr17-11532791-G-A.
Other names: short protein forms V470I.
Identifiers: ClinVar variation 4749715 (VCV004749715.1).

ClinVar aggregate classification (germline): Uncertain significance (1 of 4 stars; one submission).

gnomAD v4.1: 133 of 1,614,030 alleles (0.0082%); highest among the groups gnomAD compares: Middle Eastern, 0.033%; no homozygotes.

Submission:

Labcorp Genetics (formerly Invitae), Labcorp
Classification: Uncertain significance. Last evaluated: 2025-06-30. Review status: criteria provided, single submitter. Criteria: Invitae Variant Classification Sherloc (09022015). Collection method: clinical testing. Allele origin: germline.
Comment: This sequence change replaces valine, which is neutral and non-polar, with isoleucine, which is neutral and non-polar, at codon 470 of the DNAH9 protein (p.Val470Ile). This variant is present in population databases (rs200171758, gnomAD 0.03%). This variant has not been reported in the literature in individuals affected with DNAH9-related conditions. An algorithm developed to predict the effect of missense changes on protein structure and function outputs the following: PolyPhen-2: "Benign". The isoleucine amino acid residue is found in multiple mammalian species, which suggests that this missense change does not adversely affect protein function. In summary, the available evidence is currently insufficient to determine the role of this variant in disease. Therefore, it has been classified as a Variant of Uncertain Significance.